The following is an entry in ClinVar:

ClinVar aggregate classification (germline): Uncertain significance (1 of 4 stars; one submission).

Conditions:
EFHC1-related disorder. Also called: EFHC1-related condition.

gnomAD v4.1: 2 of 1,614,006 alleles (0.00012%); highest among the groups gnomAD compares: African/African-American, 0.0027%; no homozygotes.

Submission:

PreventionGenetics, part of Exact Sciences
Classification: Uncertain significance for EFHC1-related condition. Last evaluated: 2026-03-03. Review status: criteria provided, single submitter. Criteria: ACMG Guidelines, 2015. Collection method: clinical testing. Allele origin: germline.
Comment: The EFHC1 c.1463G>A variant is predicted to result in the amino acid substitution p.Ser488Asn. To our knowledge, this variant has not been reported in the literature or in a large population database (gnomAD), indicating this variant is rare. At this time, the clinical significance of this variant is uncertain due to the absence of conclusive functional and genetic evidence.

NM_018100.4(EFHC1):c.1463G>A (p.Ser488Asn)

Gene: EFHC1 (EF-hand domain containing 1; plus strand). Cytogenetic location: 6p12.2.
Variant type: single nucleotide variant.
Coding change: c.1463G>A on transcript NM_018100.4 (MANE Select); coding-DNA position 1463, G replaced by A.
Protein change: p.Ser488Asn; replaces serine 488 with asparagine.
Molecular consequence: missense variant. On other transcripts: non-coding transcript variant (1).
Genome position (GRCh38, 1-based): chr6:52,479,221, G>A. VCF-style: chr6-52479221-G-A. GRCh37 (hg19) VCF-style: chr6-52344019-G-A.
Other names: c.1406G>A, p.Ser469Asn (NM_001172420.2); short protein forms S488N, S469N.
Identifiers: ClinVar variation 4990992 (VCV004990992.1).
Genomic context (GRCh38, chr6:52,479,221, plus strand): 5'-GCAGGACTAAAGTTGTTAAACCATACTCTACAGTGGACAACCCTGTCTACTATGGCCCCA[G>A]TGACTTCTTCATTGGTGCTGTGATTGAAGGTAGGTCTAAACACAGTCCAGAATTTCCTAC-3'
Protein context (NP_060570.2, residues 478-498): TVDNPVYYGP[Ser488Asn]DFFIGAVIEV